The following is an entry in ClinVar:

ClinVar aggregate classification (germline): Uncertain significance (1 of 4 stars; one submission).

Conditions:
Lissencephaly due to TUBA1A mutation (CDCBM16). Also called: Lissencephaly 3; CORTICAL DYSPLASIA, COMPLEX, WITH OTHER BRAIN MALFORMATIONS 16. Identifiers: Orphanet 171680, MedGen C4305153, MONDO:0012703, OMIM 611603.

Submission:

Broad Center for Mendelian Genomics, Broad Institute of MIT and Harvard
Classification: Uncertain significance for Lissencephaly due to TUBA1A mutation. Last evaluated: 2024-05-22. Review status: criteria provided, single submitter. Criteria: ACMG Guidelines, 2015. Collection method: curation. Allele origin: germline. Inheritance: Autosomal dominant inheritance.
Comment: Trio exome analysis showed this variant to be de novo. The variant has not been previously reported in individuals with lissencephaly 3, and was absent from large population studies. Computational prediction tools and conservation analyses do not provide strong support for or against an impact to the protein. The number of missense variants reported in TUBA1A in the general population is lower than expected, suggesting there is little benign variation in this gene and slightly increasing the possibility that a missense variant in this gene may not be tolerated. In summary, the clinical significance of the p.Ala104Val variant is uncertain. ACMG/AMP Criteria applied: PS2_Supporting, PM2_Supporting, PP2 (Richards 2015).

NM_006009.4(TUBA1A):c.386G>A (p.Cys129Tyr)

Gene: TUBA1A (tubulin alpha 1a; minus strand). Cytogenetic location: 12q13.12.
Variant type: single nucleotide variant.
Coding change: c.386G>A on transcript NM_006009.4 (MANE Select); coding-DNA position 386, G replaced by A.
Protein change: p.Cys129Tyr; replaces cysteine 129 with tyrosine.
Molecular consequence: missense variant.
Genome position (GRCh38, 1-based): chr12:49,185,980, C>T on the plus strand (G>A on the coding strand, the complement: TUBA1A is on the minus strand). VCF-style: chr12-49185980-C-T. GRCh37 (hg19) VCF-style: chr12-49579763-C-T.
Other names: NM_001270400.2:c.281G>A; c.386G>A, p.Cys129Tyr (NM_001270399.2); c.281G>A, p.Cys94Tyr (NM_001270400.2); short protein forms C129Y, C94Y.
Identifiers: ClinVar variation 3236673 (VCV003236673.1), dbSNP rs2498861366, ClinGen allele CA384642871.